The following is an entry in ClinVar:

ClinVar aggregate classification (germline): Likely pathogenic. Review status: criteria provided, multiple submitters, no conflicts (2 of 4 stars). 3 submissions from 3 submitters: Likely pathogenic (3). Last evaluated 2026-03-27.

Conditions:
Hereditary breast ovarian cancer syndrome. Also called: Hereditary breast and ovarian cancer syndrome (HBOC); Hereditary breast and ovarian cancer syndrome; BRCA1- and BRCA2-Associated Hereditary Breast and Ovarian Cancer; Hereditary breast and ovarian cancer; Breast and ovarian cancer; Hereditary breast and/or ovarian cancer syndrome. Identifiers: Orphanet 145, MedGen C0677776, MeSH D061325, MONDO:0003582. Disease mechanism: loss of function.
Breast-ovarian cancer, familial, susceptibility to, 2 (BROVCA2). Also called: BRCA2 Hereditary Breast and Ovarian Cancer. Identifiers: Orphanet 145, MedGen C2675520, MONDO:0012933, OMIM 612555. Disease mechanism: loss of function.

Submissions (3):

Myriad Genetics, Inc.
Classification: Likely pathogenic for Breast-ovarian cancer, familial, susceptibility to, 2. Last evaluated: 2026-03-27. Review status: criteria provided, single submitter. Criteria: Myriad Autosomal Dominant, Autosomal Recessive and X-Linked Classification Criteria (2023). Collection method: clinical testing. Allele origin: unknown.
Comment: This variant is considered likely pathogenic. This variant has been reported in multiple individuals with clinical features of gene-specific disease [PMID: 36894310, 36731423]. Functional studies indicate this variant impacts protein function [PMID: 22678057, 16793542, 28673926]. This variant is expected to disrupt protein structure [Myriad internal data].

Labcorp Genetics (formerly Invitae), Labcorp
Classification: Likely pathogenic for Hereditary breast ovarian cancer syndrome. Last evaluated: 2022-07-15. Review status: criteria provided, single submitter. Criteria: Invitae Variant Classification Sherloc (09022015). Collection method: clinical testing. Allele origin: germline.
Comment: This variant is not present in population databases (gnomAD no frequency). This missense change has been observed in individual(s) with clinical features of BRCA2-related conditions (PMID: 9150154, 34597585). Advanced modeling of protein sequence and biophysical properties (such as structural, functional, and spatial information, amino acid conservation, physicochemical variation, residue mobility, and thermodynamic stability) performed at Invitae indicates that this missense variant is not expected to disrupt BRCA2 protein function. This sequence change replaces tryptophan, which is neutral and slightly polar, with serine, which is neutral and polar, at codon 31 of the BRCA2 protein (p.Trp31Ser). In summary, the currently available evidence indicates that the variant is pathogenic, but additional data are needed to prove that conclusively. Therefore, this variant has been classified as Likely Pathogenic. This variant disrupts the p.Trp31 amino acid residue in BRCA2. Other variant(s) that disrupt this residue have been determined to be pathogenic (PMID: 16793542, 20215541, 22194698, 22678057, 24285729). This suggests that this residue is clinically significant, and that variants that disrupt this residue are likely to be disease-causing.

Revvity Omics, Revvity
Classification: Likely pathogenic. Last evaluated: 2022-05-03. Review status: criteria provided, single submitter. Criteria: ACMG Guidelines, 2015. Collection method: clinical testing. Allele origin: germline.

Literature cited by the submitters: PubMed 36894310 (cited by Myriad Genetics, Inc.); PubMed 36731423 (cited by Myriad Genetics, Inc.); PubMed 22678057 (cited by Myriad Genetics, Inc. and Labcorp Genetics (formerly Invitae), Labcorp); PubMed 16793542 (cited by Myriad Genetics, Inc. and Labcorp Genetics (formerly Invitae), Labcorp); PubMed 28673926 (cited by Myriad Genetics, Inc.); PubMed 9150154 (cited by Labcorp Genetics (formerly Invitae), Labcorp); PubMed 34597585 (cited by Labcorp Genetics (formerly Invitae), Labcorp); PubMed 20215541 (cited by Labcorp Genetics (formerly Invitae), Labcorp); PubMed 22194698 (cited by Labcorp Genetics (formerly Invitae), Labcorp); PubMed 24285729 (cited by Labcorp Genetics (formerly Invitae), Labcorp).

NM_000059.4(BRCA2):c.92G>C (p.Trp31Ser)

Gene: BRCA2 (BRCA2 DNA repair associated; plus strand). Cytogenetic location: 13q13.1.
Variant type: single nucleotide variant.
Coding change: c.92G>C on transcript NM_000059.4 (MANE Select); coding-DNA position 92, G replaced by C.
Protein change: p.Trp31Ser; replaces tryptophan 31 with serine.
Molecular consequence: missense variant.
Genome position (GRCh38, 1-based): chr13:32,319,101, G>C. VCF-style: chr13-32319101-G-C. GRCh37 (hg19) VCF-style: chr13-32893238-G-C.
Other names: c.92G>C, p.Trp31Ser (NM_001406719.1, NM_001406720.1, NM_001406721.1); c.-278G>C (NM_001406722.1); short protein forms W31S.
Identifiers: ClinVar variation 2098802 (VCV002098802.8), dbSNP rs397508045, ClinGen allele CA387754108.